The following is an entry in ClinVar:

ClinVar aggregate classification (germline): Benign/Likely benign. Review status: criteria provided, multiple submitters, no conflicts (2 of 4 stars). 6 submissions from 6 submitters: Benign (3); Likely benign (3). Last evaluated 2026-07-01.

Conditions:
Kabuki syndrome. Also called: Kabuki make-up syndrome; NIIKAWA-KUROKI SYNDROME. Identifiers: Orphanet 2322, MedGen C0796004, MONDO:0016512.
Inborn genetic diseases. Identifiers: MedGen C0950123, MeSH D030342.

Allele frequency attached by ClinVar (database versions not stated): gnomAD exomes 0.00016 and 0.00050; 1000 Genomes Project 30x 0.00031; 1000 Genomes Project 0.00040; ExAC 0.00050; TOPMed 0.00067; ESP Exome Variant Server 0.00068; gnomAD 0.00074 and 0.00077.
gnomAD v4.1: 355 of 1,522,716 alleles (0.023%); highest among the groups gnomAD compares: African/African-American, 0.19%; 1 homozygote.

Submissions (6):

Ambry Genetics
Classification: Likely benign for Inborn genetic diseases. Last evaluated: 2026-07-01. Review status: criteria provided, single submitter. Criteria: Ambry Variant Classification Scheme 2023. Collection method: clinical testing. Allele origin: germline.

Labcorp Genetics (formerly Invitae), Labcorp
Classification: Benign for Kabuki syndrome. Last evaluated: 2026-01-26. Review status: criteria provided, single submitter. Criteria: Invitae Variant Classification Sherloc (09022015). Collection method: clinical testing. Allele origin: germline.

CeGaT Center for Human Genetics Tuebingen
Classification: Likely benign. Last evaluated: 2025-10-01. Review status: criteria provided, single submitter. Criteria: CeGaT Center For Human Genetics Tuebingen Variant Classification Criteria Version 2. Collection method: clinical testing. Allele origin: germline. Affected: yes. Observed: 3 variant alleles.
Comment: KMT2D: BP4, BP7

Blueprint Genetics
Classification: Likely benign. Last evaluated: 2024-11-01. Review status: criteria provided, single submitter. Criteria: ACMG Guidelines, 2015. Collection method: clinical testing. Allele origin: germline.

GeneDx
Classification: Benign. Last evaluated: 2020-11-14. Review status: criteria provided, single submitter. Criteria: GeneDx Variant Classification Process June 2021. Collection method: clinical testing. Allele origin: germline. Affected: yes.

Breakthrough Genomics
Classification: Benign. Review status: criteria provided, single submitter. Criteria: ACMG Guidelines, 2015. Collection method: not provided. Allele origin: germline. Inheritance: Autosomal dominant inheritance. Affected: yes.

NM_003482.4(KMT2D):c.6621G>A (p.Ala2207=)

Gene: KMT2D (lysine methyltransferase 2D; minus strand). Cytogenetic location: 12q13.12.
Variant type: single nucleotide variant.
Coding change: c.6621G>A on transcript NM_003482.4 (MANE Select); coding-DNA position 6621, G replaced by A.
Protein change: p.Ala2207=; no amino-acid change (alanine 2207 retained).
Molecular consequence: synonymous variant.
Genome position (GRCh38, 1-based): chr12:49,041,149, C>T on the plus strand (G>A on the coding strand, the complement: KMT2D is on the minus strand). VCF-style: chr12-49041149-C-T. GRCh37 (hg19) VCF-style: chr12-49434932-C-T.
Identifiers: ClinVar variation 702339 (VCV000702339.40), dbSNP rs199896881, ClinGen allele CA6547213.